The following is an entry in ClinVar:

NM_000053.4(ATP7B):c.2617A>G (p.Ile873Val)

Gene: ATP7B (ATPase copper transporting beta; minus strand). Cytogenetic location: 13q14.3.
Variant type: single nucleotide variant.
Coding change: c.2617A>G on transcript NM_000053.4 (MANE Select); coding-DNA position 2617, A replaced by G.
Protein change: p.Ile873Val; replaces isoleucine 873 with valine.
Molecular consequence: missense variant.
Genome position (GRCh38, 1-based): chr13:51,950,120, T>C on the plus strand (A>G on the coding strand, the complement: ATP7B is on the minus strand). VCF-style: chr13-51950120-T-C. GRCh37 (hg19) VCF-style: chr13-52524256-T-C.
Other names: c.2131A>G, p.Ile711Val (NM_001005918.3, NM_001406546.1, NM_001406541.1 and 1 more transcripts); c.2284A>G, p.Ile762Val (NM_001243182.2); c.2383A>G, p.Ile795Val (NM_001330578.2, NM_001406527.1, NM_001406528.1 and 2 more transcripts); c.2365A>G, p.Ile789Val (NM_001330579.2, NM_001406531.1, NM_001406532.1 and 1 more transcripts); c.2617A>G, p.Ile873Val (NM_001406511.1, NM_001406512.1, NM_001406513.1 and 7 more transcripts); c.2584A>G, p.Ile862Val (NM_001406514.1); c.2521A>G, p.Ile841Val (NM_001406517.1, NM_001406518.1); c.2473A>G, p.Ile825Val (NM_001406520.1, NM_001406521.1, NM_001406522.1 and 1 more transcripts); and 8 more; short protein forms I443V, I657V, I679V, I711V, I730V, I757V, I762V, I763V.
Identifiers: ClinVar variation 3075609 (VCV003075609.1), dbSNP rs2547671240, ClinGen allele CA388034791.
Genomic context (GRCh38, chr13:51,950,120, plus strand): 5'-CATTGCCCACGTGGGTAGCTTTAATGAGCACAGAGCCATGTGCATTTATAGACCCCGCAA[T>C]TACAGTGCTTCCGGGTTTCTTAGTGACTGGCATGGCTTCTCCTAGACGTAGGAAAGAGAC-3'
Protein context (NP_000044.2, residues 863-883): PVTKKPGSTV[Ile873Val]AGSINAHGSV

ClinVar aggregate classification (germline): Uncertain significance (1 of 4 stars; one submission).

Conditions:
Wilson disease (WND). Also called: Wilson's disease. Identifiers: Orphanet 905, MedGen C0019202, MONDO:0010200, OMIM 277900. Disease mechanism: loss of function.

Submission:

All of Us Research Program, National Institutes of Health
Classification: Uncertain significance for Wilson disease. Last evaluated: 2023-05-04. Review status: criteria provided, single submitter. Criteria: ACMG Guidelines, 2015. Collection method: clinical testing. Allele origin: germline. Inheritance: Autosomal recessive inheritance. Observed: 1 variant allele, 1 heterozygote.
Comment: This missense variant replaces isoleucine with valine at codon 873 of the ATP7B protein. Computational prediction is inconclusive regarding the impact of this variant on protein structure and function (internally defined REVEL score threshold 0.5 < inconclusive < 0.7, PMID: 27666373). To our knowledge, functional studies have not been reported for this variant. This variant has not been reported in individuals affected with Wilson disease in the literature. This variant has not been identified in the general population by the Genome Aggregation Database (gnomAD). The available evidence is insufficient to determine the role of this variant in disease conclusively. Therefore, this variant is classified as a Variant of Uncertain Significance.

This study involves interpretation of variants in research participants for the purpose of population health screening. Participant phenotype was not available at the time of variant classification. Additional details can be found in publication PMID: 35346344, PMCID: PMC8962531